The following is an entry in ClinVar:

ClinVar aggregate classification (germline): Benign. Review status: criteria provided, multiple submitters, no conflicts (2 of 4 stars). 2 submissions from 2 submitters: Benign (2). Last evaluated 2026-01-19.

Conditions:
Holoprosencephaly 2 (HPE2). Identifiers: Orphanet 2162, MedGen C1834877, MONDO:0007999, OMIM 157170.

Allele frequency attached by ClinVar (database versions not stated): gnomAD below 0.00001 and 0.00009; TOPMed 0.00002; gnomAD exomes 0.00021 and 0.00049; 1000 Genomes Project 30x 0.00031; 1000 Genomes Project 0.00040; ExAC 0.00050.
gnomAD v4.1: 327 of 1,598,064 alleles (0.02%); highest among the groups gnomAD compares: South Asian, 0.31%; 6 homozygotes.

Submissions (2):

Labcorp Genetics (formerly Invitae), Labcorp
Classification: Benign for Holoprosencephaly 2. Last evaluated: 2026-01-19. Review status: criteria provided, single submitter. Criteria: Invitae Variant Classification Sherloc (09022015). Collection method: clinical testing. Allele origin: germline.

CeGaT Center for Human Genetics Tuebingen
Classification: Benign. Last evaluated: 2022-08-01. Review status: criteria provided, single submitter. Criteria: CeGaT Center For Human Genetics Tuebingen Variant Classification Criteria Version 2. Collection method: clinical testing. Allele origin: germline. Affected: yes. Observed: 1 variant allele.
Comment: SIX3: BS1, BS2

NM_005413.4(SIX3):c.58G>T (p.Ala20Ser)

Gene: SIX3 (SIX homeobox 3; plus strand). Cytogenetic location: 2p21.
Variant type: single nucleotide variant.
Coding change: c.58G>T on transcript NM_005413.4 (MANE Select); coding-DNA position 58, G replaced by T.
Protein change: p.Ala20Ser; replaces alanine 20 with serine.
Molecular consequence: missense variant.
Genome position (GRCh38, 1-based): chr2:44,942,162, G>T. VCF-style: chr2-44942162-G-T. GRCh37 (hg19) VCF-style: chr2-45169301-G-T.
Other names: short protein forms A20S.
Identifiers: ClinVar variation 707261 (VCV000707261.31), dbSNP rs200575650, ClinGen allele CA1642246.